The following is an entry in ClinVar:

NM_002317.7(LOX):c.203G>T (p.Arg68Leu)

Genes: LOX (lysyl oxidase; minus strand), SRFBP1 (serum response factor binding protein 1; plus strand). Cytogenetic location: 5q23.1.
Variant type: single nucleotide variant.
Coding change: c.203G>T on transcript NM_002317.7 (MANE Select); coding-DNA position 203, G replaced by T.
Protein change: p.Arg68Leu; replaces arginine 68 with leucine.
Molecular consequence: missense variant.
Genome position (GRCh38, 1-based): chr5:122,077,783, C>A on the plus strand (G>T on the coding strand, the complement: LOX is on the minus strand). VCF-style: chr5-122077783-C-A. GRCh37 (hg19) VCF-style: chr5-121413478-C-A.
Other names: short protein forms R68L.
Identifiers: ClinVar variation 2029993 (VCV002029993.4), dbSNP rs994242735, ClinGen allele CA360877568.

ClinVar aggregate classification (germline): Uncertain significance (1 of 4 stars; one submission).

gnomAD v4.1: 1 of 1,548,826 alleles (0.000065%); no homozygotes.

Submission:

Labcorp Genetics (formerly Invitae), Labcorp
Classification: Uncertain significance. Last evaluated: 2022-09-10. Review status: criteria provided, single submitter. Criteria: Invitae Variant Classification Sherloc (09022015). Collection method: clinical testing. Allele origin: germline.
Comment: In summary, the available evidence is currently insufficient to determine the role of this variant in disease. Therefore, it has been classified as a Variant of Uncertain Significance. Advanced modeling of protein sequence and biophysical properties (such as structural, functional, and spatial information, amino acid conservation, physicochemical variation, residue mobility, and thermodynamic stability) performed at Invitae indicates that this missense variant is not expected to disrupt LOX protein function. This variant has not been reported in the literature in individuals affected with LOX-related conditions. This variant is not present in population databases (gnomAD no frequency). This sequence change replaces arginine, which is basic and polar, with leucine, which is neutral and non-polar, at codon 68 of the LOX protein (p.Arg68Leu).